The following is an entry in ClinVar:

NM_198525.3(KIF7):c.2718+20G>A

Gene: KIF7 (kinesin family member 7; minus strand). Cytogenetic location: 15q26.1.
Variant type: single nucleotide variant.
Coding change: c.2718+20G>A on transcript NM_198525.3 (MANE Select); 20 bases into the intron after coding-DNA position 2718, G replaced by A.
Molecular consequence: intron variant.
Genome position (GRCh38, 1-based): chr15:89,633,121, C>T on the plus strand (G>A on the coding strand, the complement: KIF7 is on the minus strand). VCF-style: chr15-89633121-C-T. GRCh37 (hg19) VCF-style: chr15-90176352-C-T.
Identifiers: ClinVar variation 511558 (VCV000511558.10), dbSNP rs183149392, ClinGen allele CA7728033.

ClinVar aggregate classification (germline): Benign/Likely benign. Review status: criteria provided, multiple submitters, no conflicts (2 of 4 stars). 3 submissions from 3 submitters: Benign (1); Likely benign (2). Last evaluated 2025-01-11.

Conditions:
Acrocallosal syndrome (ACLS). Also called: Schinzel syndrome 1; Absence of corpus callosum with unusual facial appearance, mental deficiency, duplication of the halluces and polydactyly; HALLUX DUPLICATION, POSTAXIAL POLYDACTYLY, AND ABSENCE OF CORPUS CALLOSUM. Identifiers: Orphanet 36, MedGen C0796147, MONDO:0008708, OMIM 200990.

Allele frequency attached by ClinVar (database versions not stated): gnomAD exomes 0.00042; ExAC 0.00052; gnomAD 0.00101 and 0.00108; TOPMed 0.00130; ESP Exome Variant Server 0.00138; 1000 Genomes Project 30x 0.00172; 1000 Genomes Project 0.00180.
gnomAD v4.1: 327 of 1,601,514 alleles (0.02%); highest among the groups gnomAD compares: African/African-American, 0.34%; no homozygotes.

Submissions (3):

Labcorp Genetics (formerly Invitae), Labcorp
Classification: Benign for Acrocallosal syndrome. Last evaluated: 2025-01-11. Review status: criteria provided, single submitter. Criteria: Invitae Variant Classification Sherloc (09022015). Collection method: clinical testing. Allele origin: germline.

Blueprint Genetics
Classification: Likely benign. Last evaluated: 2024-07-17. Review status: criteria provided, single submitter. Criteria: ACMG Guidelines, 2015. Collection method: clinical testing. Allele origin: germline.

GeneDx
Classification: Likely benign. Last evaluated: 2017-08-18. Review status: criteria provided, single submitter. Criteria: GeneDx Variant Classification (06012015). Collection method: clinical testing. Allele origin: germline. Affected: yes.
Comment: This variant is considered likely benign or benign based on one or more of the following criteria: it is a conservative change, it occurs at a poorly conserved position in the protein, it is predicted to be benign by multiple in silico algorithms, and/or has population frequency not consistent with disease.